The following is an entry in ClinVar:

ClinVar aggregate classification (germline): Pathogenic (1 of 4 stars; one submission).

Conditions:
X-linked agammaglobulinemia with growth hormone deficiency (IGHD3). Also called: AGAMMAGLOBULINEMIA AND ISOLATED GROWTH HORMONE DEFICIENCY, X-LINKED; FLEISHER SYNDROME; HYPOGAMMAGLOBULINEMIA AND ISOLATED GROWTH HORMONE DEFICIENCY, X-LINKED; IGHD III; Isolated growth hormone deficiency type 3; Growth hormone deficiency with hypogammaglobulinemia. Identifiers: Orphanet 231692, Orphanet 631, MedGen C0472813, MONDO:0010615, OMIM 307200.

Submission:

Labcorp Genetics (formerly Invitae), Labcorp
Classification: Pathogenic for X-linked agammaglobulinemia with growth hormone deficiency. Last evaluated: 2025-09-08. Review status: criteria provided, single submitter. Criteria: Invitae Variant Classification Sherloc (09022015). Collection method: clinical testing. Allele origin: germline.
Comment: This sequence change replaces arginine, which is basic and polar, with glycine, which is neutral and non-polar, at codon 520 of the BTK protein (p.Arg520Gly). This variant is not present in population databases (gnomAD no frequency). This missense change has been observed in individuals with X-linked agammaglobulinemia (PMID: 12655572). This variant is also known as c.1690C>G. ClinVar contains an entry for this variant (Variation ID: 530948). Invitae Evidence Modeling of protein sequence and biophysical properties (such as structural, functional, and spatial information, amino acid conservation, physicochemical variation, residue mobility, and thermodynamic stability) indicates that this missense variant is expected to disrupt BTK protein function with a positive predictive value of 95%. This variant disrupts the p.Arg520 amino acid residue in BTK. Other variant(s) that disrupt this residue have been determined to be pathogenic (PMID: 7849721, 7880320, 11472359, 12217331, 12655572, 15661032, 18677443, 27980540). This suggests that this residue is clinically significant, and that variants that disrupt this residue are likely to be disease-causing. For these reasons, this variant has been classified as Pathogenic.

Literature cited by the submitters: PubMed 12655572; PubMed 7849721; PubMed 7880320; PubMed 11472359; PubMed 12217331; PubMed 15661032; PubMed 18677443; PubMed 27980540.

NM_000061.3(BTK):c.1558C>G (p.Arg520Gly)

Gene: BTK (Bruton tyrosine kinase; minus strand). Cytogenetic location: Xq22.1.
Variant type: single nucleotide variant.
Coding change: c.1558C>G on transcript NM_000061.3 (MANE Select); coding-DNA position 1558, C replaced by G.
Protein change: p.Arg520Gly; replaces arginine 520 with glycine.
Molecular consequence: missense variant. On other transcripts: intron variant (1).
Genome position (GRCh38, 1-based): chrX:101,356,060, G>C on the plus strand (C>G on the coding strand, the complement: BTK is on the minus strand). VCF-style: chrX-101356060-G-C. GRCh37 (hg19) VCF-style: chrX-100611048-G-C.
Other names: c.1660C>G, p.Arg554Gly (NM_001287344.2); c.1039-1366C>G (NM_001287345.2); short protein forms R520G, R554G.
Identifiers: ClinVar variation 530948 (VCV000530948.9), dbSNP rs128621201, ClinGen allele CA413922963.